The following is an entry in ClinVar:

NM_001366521.1(ATP2B1):c.163G>A (p.Asp55Asn)

Gene: ATP2B1 (ATPase plasma membrane Ca2+ transporting 1; minus strand). Cytogenetic location: 12q21.33.
Variant type: single nucleotide variant.
Coding change: c.163G>A on transcript NM_001366521.1 (MANE Select); coding-DNA position 163, G replaced by A.
Protein change: p.Asp55Asn; replaces aspartic acid 55 with asparagine.
Molecular consequence: missense variant. On other transcripts: non-coding transcript variant (3).
Genome position (GRCh38, 1-based): chr12:89,655,724, C>T on the plus strand (G>A on the coding strand, the complement: ATP2B1 is on the minus strand). VCF-style: chr12-89655724-C-T. GRCh37 (hg19) VCF-style: chr12-90049501-C-T.
Other names: c.163G>A, p.Asp55Asn (NM_001001323.2, NM_001366520.1, NM_001366522.1 and 26 more transcripts); short protein forms D55N.
Identifiers: ClinVar variation 5018161 (VCV005018161.1).

ClinVar aggregate classification (germline): Uncertain significance (1 of 4 stars; one submission).

Submission:

GeneDx
Classification: Uncertain significance. Last evaluated: 2026-04-03. Review status: criteria provided, single submitter. Criteria: GeneDx Variant Classification Process June 2021. Collection method: clinical testing. Allele origin: germline.
Comment: Not observed at significant frequency in large population cohorts (gnomAD); In silico analysis supports that this missense variant has a deleterious effect on protein structure/function; Has not been previously published as pathogenic or benign to our knowledge